The following is an entry in ClinVar:

NM_017491.5(WDR1):c.1284+9C>T

Gene: WDR1 (WD repeat domain 1; minus strand). Cytogenetic location: 4p16.1.
Variant type: single nucleotide variant.
Coding change: c.1284+9C>T on transcript NM_017491.5 (MANE Select); 9 bases into the intron after coding-DNA position 1284, C replaced by T.
Molecular consequence: intron variant.
Genome position (GRCh38, 1-based): chr4:10,081,348, G>A on the plus strand (C>T on the coding strand, the complement: WDR1 is on the minus strand). VCF-style: chr4-10081348-G-A. GRCh37 (hg19) VCF-style: chr4-10082972-G-A.
Other names: c.864+9C>T (NM_005112.5).
Identifiers: ClinVar variation 721980 (VCV000721980.9), dbSNP rs755307276, ClinGen allele CA2857645.

ClinVar aggregate classification (germline): Likely benign. Review status: criteria provided, single submitter (1 of 4 stars). 2 submissions from 2 submitters: Likely benign (1). 1 of the submissions does not count toward it. Last evaluated 2026-01-28.

Conditions:
WDR1-related disorder. Also called: WDR1-related condition.

Allele frequency attached by ClinVar (database versions not stated): gnomAD exomes 0.00003 and 0.00016; gnomAD 0.00004; TOPMed 0.00007; ExAC 0.00012.
gnomAD v4.1: 49 of 1,613,158 alleles (0.003%); highest among the groups gnomAD compares: Admixed American, 0.082%; no homozygotes.

Submissions (2):

Labcorp Genetics (formerly Invitae), Labcorp
Classification: Likely benign. Last evaluated: 2026-01-28. Review status: criteria provided, single submitter. Criteria: Invitae Variant Classification Sherloc (09022015). Collection method: clinical testing. Allele origin: germline.

PreventionGenetics, part of Exact Sciences
Classification: Likely benign for WDR1-related condition. Last evaluated: 2019-07-01. Review status: no assertion criteria provided. Collection method: clinical testing. Allele origin: germline. Not counted in ClinVar's aggregate classification.
Comment: This variant is classified as likely benign based on ACMG/AMP sequence variant interpretation guidelines (Richards et al. 2015 PMID: 25741868, with internal and published modifications).